The following is an entry in ClinVar:

NM_003200.5(TCF3):c.130C>T (p.Gln44Ter)

Gene: TCF3 (transcription factor 3; minus strand). Cytogenetic location: 19p13.3.
Variant type: single nucleotide variant.
Coding change: c.130C>T on transcript NM_003200.5 (MANE Select); coding-DNA position 130, C replaced by T.
Protein change: p.Gln44Ter; replaces glutamine 44 with a stop codon.
Molecular consequence: nonsense.
Genome position (GRCh38, 1-based): chr19:1,646,370, G>A on the plus strand (C>T on the coding strand, the complement: TCF3 is on the minus strand). VCF-style: chr19-1646370-G-A. GRCh37 (hg19) VCF-style: chr19-1646369-G-A.
Other names: c.130C>T, p.Gln44Ter (NM_001136139.4, NM_001351778.2, NM_001351779.2); short protein forms Q44*.
Identifiers: ClinVar variation 4810505 (VCV004810505.1).

ClinVar aggregate classification (germline): Pathogenic (1 of 4 stars; one submission).

gnomAD v4.1: 1 of 1,550,362 alleles (0.000065%); highest among the groups gnomAD compares: Non-Finnish European, 0.000087%; no homozygotes.

Submission:

Labcorp Genetics (formerly Invitae), Labcorp
Classification: Pathogenic. Last evaluated: 2025-12-13. Review status: criteria provided, single submitter. Criteria: Invitae Variant Classification Sherloc (09022015). Collection method: clinical testing. Allele origin: germline.
Comment: This sequence change creates a premature translational stop signal (p.Gln44*) in the TCF3 gene. It is expected to result in an absent or disrupted protein product. Loss-of-function variants in TCF3 are known to be pathogenic (PMID: 24216514, 30063982, 37277074). This variant is not present in population databases (gnomAD no frequency). This variant has not been reported in the literature in individuals affected with TCF3-related conditions. For these reasons, this variant has been classified as Pathogenic.

Literature cited by the submitters: PubMed 24216514; PubMed 30063982; PubMed 37277074.